The following is an entry in ClinVar:

NM_014956.5(CEP164):c.3501+6G>A

Gene: CEP164 (centrosomal protein 164; plus strand). Cytogenetic location: 11q23.3.
Variant type: single nucleotide variant.
Coding change: c.3501+6G>A on transcript NM_014956.5 (MANE Select); 6 bases into the intron after coding-DNA position 3501, G replaced by A.
Molecular consequence: intron variant.
Genome position (GRCh38, 1-based): chr11:117,397,319, G>A. VCF-style: chr11-117397319-G-A. GRCh37 (hg19) VCF-style: chr11-117268035-G-A.
Other names: c.3510+6G>A (NM_001271933.2); c.3342+6G>A (NM_001440972.1); c.3507+6G>A (NM_001440949.1); c.3363+6G>A (NM_001440967.1, NM_001440961.1); c.3414+6G>A (NM_001440956.1); c.3501+6G>A (NM_001440950.1, NM_001440953.1, NM_001440951.1); c.3354+6G>A (NM_001440962.1, NM_001440970.1, NM_001440963.1); c.3351+6G>A (NM_001440964.1, NM_001440965.1, NM_001440971.1 and 1 more transcripts); and 13 more.
Identifiers: ClinVar variation 5000868 (VCV005000868.1).

ClinVar aggregate classification (germline): Likely benign (1 of 4 stars; one submission).

Conditions:
CEP164-related disorder. Also called: CEP164-related condition.

gnomAD v4.1: 4 of 1,608,736 alleles (0.00025%); highest among the groups gnomAD compares: African/African-American, 0.0053%; no homozygotes.

Submission:

PreventionGenetics, part of Exact Sciences
Classification: Likely benign for CEP164-related condition. Last evaluated: 2024-10-10. Review status: criteria provided, single submitter. Criteria: ACMG Guidelines, 2015. Collection method: clinical testing. Allele origin: germline.
Comment: This variant is classified as likely benign based on ACMG/AMP sequence variant interpretation guidelines (Richards et al. 2015 PMID: 25741868, with internal and published modifications).